The following is an entry in ClinVar:

NM_000535.7(PMS2):c.1488C>A (p.His496Gln)

Gene: PMS2 (PMS1 homolog 2, mismatch repair system component; minus strand). Cytogenetic location: 7p22.1.
Variant type: single nucleotide variant.
Coding change: c.1488C>A on transcript NM_000535.7 (MANE Select); coding-DNA position 1488, C replaced by A.
Protein change: p.His496Gln; replaces histidine 496 with glutamine.
Molecular consequence: missense variant. On other transcripts: non-coding transcript variant (1).
Genome position (GRCh38, 1-based): chr7:5,987,277, G>T on the plus strand (C>A on the coding strand, the complement: PMS2 is on the minus strand). VCF-style: chr7-5987277-G-T. GRCh37 (hg19) VCF-style: chr7-6026908-G-T.
Other names: c.1083C>A, p.His361Gln (NM_001018040.1, NM_001322003.2, NM_001322004.2 and 17 more transcripts); c.1332C>A, p.His444Gln (NM_001322006.2, NM_001406870.1); c.1170C>A, p.His390Gln (NM_001322007.2, NM_001322008.2, NM_001406876.1 and 2 more transcripts); c.927C>A, p.His309Gln (NM_001322010.2, NM_001406906.1, NM_001406907.1); c.555C>A, p.His185Gln (NM_001322011.2, NM_001322012.2); c.915C>A, p.His305Gln (NM_001322013.2, NM_001406909.1); c.1488C>A, p.His496Gln (NM_001322014.2, NM_001406871.1, NM_001406872.1); c.1179C>A, p.His393Gln (NM_001322015.2, NM_001406875.1, NM_001406877.1 and 5 more transcripts); and 12 more; short protein forms H309Q, H374Q, H325Q, H361Q, H440Q, H239Q, H341Q, H390Q.
Identifiers: ClinVar variation 1773709 (VCV001773709.7), dbSNP rs1805320, ClinGen allele CA366741806.
Genomic context (GRCh38, chr7:5,987,277, plus strand): 5'-GCTGCAGTGACTGCCCGTGTCTGGGATGCTGAACCCCTCAGAATCCACGGAAGTGCTGCC[G>T]TGCCCCGAGTCCTTCTCCACCTCCGCTCTGTCCGTAGGGTCACTGGGTCCGTGACTGGAA-3'
Protein context (NP_000526.2, residues 486-506): DRAEVEKDSG[His496Gln]GSTSVDSEGF

ClinVar aggregate classification (germline): Uncertain significance. Review status: criteria provided, multiple submitters, no conflicts (2 of 4 stars). 2 submissions from 2 submitters: Uncertain significance (2). Last evaluated 2022-08-23.

Conditions:
Hereditary cancer-predisposing syndrome. Also called: Hereditary Cancer Syndrome; Hereditary neoplastic syndrome; Neoplastic Syndromes, Hereditary; Tumor predisposition. Identifiers: Orphanet 140162, MedGen C0027672, MeSH D009386, MONDO:0015356.
Hereditary nonpolyposis colorectal neoplasms. Identifiers: MedGen C0009405, MeSH D003123.

Submissions (2):

Labcorp Genetics (formerly Invitae), Labcorp
Classification: Uncertain significance for Hereditary nonpolyposis colorectal neoplasms. Last evaluated: 2022-08-23. Review status: criteria provided, single submitter. Criteria: Invitae Variant Classification Sherloc (09022015). Collection method: clinical testing. Allele origin: germline.
Comment: This variant is not present in population databases (gnomAD no frequency). This sequence change replaces histidine, which is basic and polar, with glutamine, which is neutral and polar, at codon 496 of the PMS2 protein (p.His496Gln). This variant has not been reported in the literature in individuals affected with PMS2-related conditions. In summary, the available evidence is currently insufficient to determine the role of this variant in disease. Therefore, it has been classified as a Variant of Uncertain Significance. Advanced modeling of protein sequence and biophysical properties (such as structural, functional, and spatial information, amino acid conservation, physicochemical variation, residue mobility, and thermodynamic stability) performed at Invitae indicates that this missense variant is not expected to disrupt PMS2 protein function.

Ambry Genetics
Classification: Uncertain significance for Hereditary cancer-predisposing syndrome. Last evaluated: 2022-01-10. Review status: criteria provided, single submitter. Criteria: Ambry Variant Classification Scheme 2023. Collection method: clinical testing. Allele origin: germline.
Comment: The p.H496Q variant (also known as c.1488C>A), located in coding exon 11 of the PMS2 gene, results from a C to A substitution at nucleotide position 1488. The histidine at codon 496 is replaced by glutamine, an amino acid with highly similar properties. This amino acid position is conserved. In addition, this alteration is predicted to be tolerated by in silico analysis. Since supporting evidence is limited at this time, the clinical significance of this alteration remains unclear.